The following is an entry in ClinVar:

NM_033056.4(PCDH15):c.4599_4600dup (p.Ser1534fs)

Gene: PCDH15 (protocadherin related 15; minus strand). Cytogenetic location: 10q21.1.
Variant type: Duplication.
Coding change: c.4599_4600dup on transcript NM_033056.4 (MANE Plus Clinical); coding-DNA positions 4599 to 4600, 2 bases duplicated (AA; older notation c.4599_4600dupAA).
Protein change: p.Ser1534fs; shifts the reading frame from serine 1534.
Molecular consequence: frameshift variant. On other transcripts: intron variant (8).
Genome position (GRCh38, 1-based): chr10:53,823,126-53,823,127, TT duplicated on the plus strand (AA on the coding strand, the reverse complement: PCDH15 is on the minus strand). VCF-style (leftmost placement, unchanged base first): chr10-53823125-C-CTT. GRCh37 (hg19) VCF-style: chr10-55582885-C-CTT.
Other names: c.4620_4621dup, p.Ser1541fs (NM_001142763.2); c.4605_4606dup, p.Ser1536fs (NM_001142764.2); c.4392_4393dup, p.Ser1465fs (NM_001142765.2); c.4590_4591dup, p.Ser1531fs (NM_001142766.2); c.4479_4480dup, p.Ser1494fs (NM_001142767.2); c.4539_4540dup, p.Ser1514fs (NM_001142768.2); c.4530_4531dup, p.Ser1511fs (NM_001142773.2); c.4533_4534dup, p.Ser1512fs (NM_001354404.2); and 6 more; short protein forms S1465fs, S1494fs, S1511fs, S1512fs, S1514fs, S1531fs, S1534fs, S1536fs.
Identifiers: ClinVar variation 1074783 (VCV001074783.13), dbSNP rs1436725375, ClinGen allele CA593783046.

ClinVar aggregate classification (germline): Pathogenic/Likely pathogenic. Review status: criteria provided, multiple submitters, no conflicts (2 of 4 stars). 4 submissions from 4 submitters: Pathogenic (2); Likely pathogenic (2). Last evaluated 2025-07-19.

Conditions:
Usher syndrome type 1D (USH1D). Also called: USHER SYNDROME, TYPE ID. Identifiers: Orphanet 231169, Orphanet 886, MedGen C1832845, MONDO:0010984, OMIM 601067.
Autosomal recessive nonsyndromic hearing loss 23. Identifiers: Orphanet 90636, MedGen C1836027, MONDO:0012293, OMIM 609533.
Usher syndrome type 1F (USH1F). Also called: USHER SYNDROME, TYPE IF. Identifiers: Orphanet 231169, Orphanet 886, MedGen C1865885, MONDO:0011186, OMIM 602083.

Allele frequency attached by ClinVar (database versions not stated): gnomAD exomes below 0.00001; TOPMed below 0.00001; gnomAD 0.00004 and 0.00003.

Submissions (4):

Dasa
Classification: Likely pathogenic. Last evaluated: 2025-07-19. Review status: criteria provided, single submitter. Criteria: DASA Assertion Criteria. Collection method: clinical testing. Allele origin: germline.
Comment: NM_001142763.2(PCDH15):c.4620_4621dup (p.Ser1541Lysfs*17) is a frameshift variant in PCDH15 predicted to alter the reading frame and introduce a premature termination codon and is predicted to result in an absent or altered protein product. Loss of function is an established disease mechanism for PCDH15-associated disorders. Also, this variant is rare in population databases. Based on the currently available evidence, this variant is classified as likely pathogenic.

Labcorp Genetics (formerly Invitae), Labcorp
Classification: Pathogenic. Last evaluated: 2025-06-11. Review status: criteria provided, single submitter. Criteria: Invitae Variant Classification Sherloc (09022015). Collection method: clinical testing. Allele origin: germline.
Comment: This sequence change creates a premature translational stop signal (p.Ser1534Lysfs*17) in the PCDH15 gene. While this is not anticipated to result in nonsense mediated decay, it is expected to disrupt the last 422 amino acid(s) of the PCDH15 protein. This variant is present in population databases (no rsID available, gnomAD 0.02%). This variant has not been reported in the literature in individuals affected with PCDH15-related conditions. ClinVar contains an entry for this variant (Variation ID: 1074783). This variant disrupts a region of the PCDH15 protein in which other variant(s) (p.Gln1576*) have been determined to be pathogenic (PMID: 28281779). This suggests that this is a clinically significant region of the protein, and that variants that disrupt it are likely to be disease-causing. For these reasons, this variant has been classified as Pathogenic.

Fulgent Genetics
Classification: Likely pathogenic for Usher syndrome type 1D; Usher syndrome type 1F; Autosomal recessive nonsyndromic hearing loss 23. Last evaluated: 2024-04-19. Review status: criteria provided, single submitter. Criteria: ACMG Guidelines, 2015. Collection method: clinical testing. Allele origin: germline.

Revvity Omics, Revvity
Classification: Pathogenic. Last evaluated: 2019-12-29. Review status: criteria provided, single submitter. Criteria: ACMG Guidelines, 2015. Collection method: clinical testing. Allele origin: germline.

Literature cited by the submitters: PubMed 28281779 (cited by Labcorp Genetics (formerly Invitae), Labcorp).